The following is an entry in ClinVar:

NM_001379110.1(SLC9A6):c.746C>T (p.Ser249Leu)

Gene: SLC9A6 (solute carrier family 9 member A6; plus strand). Cytogenetic location: Xq26.3.
Variant type: single nucleotide variant.
Coding change: c.746C>T on transcript NM_001379110.1 (MANE Select); coding-DNA position 746, C replaced by T.
Protein change: p.Ser249Leu; replaces serine 249 with leucine.
Molecular consequence: missense variant.
Genome position (GRCh38, 1-based): chrX:136,010,444, C>T. VCF-style: chrX-136010444-C-T. GRCh37 (hg19) VCF-style: chrX-135092603-C-T.
Other names: c.902C>T, p.Ser301Leu (NM_001042537.2); c.746C>T, p.Ser249Leu (NM_001177651.2, NM_001400909.1, NM_001400910.1 and 2 more transcripts); c.650C>T, p.Ser217Leu (NM_001330652.2, NM_001400913.1); c.806C>T, p.Ser269Leu (NM_006359.3); short protein forms S217L, S249L, S269L, S301L.
Identifiers: ClinVar variation 2502546 (VCV002502546.2), dbSNP rs2521289517, ClinGen allele CA414751087.

ClinVar aggregate classification (germline): Uncertain significance (1 of 4 stars; one submission).

Submission:

GeneDx
Classification: Uncertain significance. Last evaluated: 2024-04-30. Review status: criteria provided, single submitter. Criteria: GeneDx Variant Classification Process June 2021. Collection method: clinical testing. Allele origin: germline.
Comment: Not observed at significant frequency in large population cohorts (gnomAD); In silico analysis supports that this missense variant has a deleterious effect on protein structure/function; Has not been previously published as pathogenic or benign to our knowledge